The following is an entry in ClinVar:

ClinVar aggregate classification (germline): Likely benign. Review status: criteria provided, multiple submitters, no conflicts (2 of 4 stars). 7 submissions from 7 submitters: Likely benign (6). 1 of the submissions does not count toward it. Last evaluated 2026-01-18.

Conditions:
TTN-related disorder. Also called: TTN-related disorders; TTN-related condition; TTN-related disease.
Autosomal recessive limb-girdle muscular dystrophy type 2J (LGMDR10). Also called: MUSCULAR DYSTROPHY, LIMB-GIRDLE, AUTOSOMAL RECESSIVE 10; Limb-girdle muscular dystrophy, type 2J. Identifiers: Orphanet 140922, MedGen C1837342, MONDO:0012127, OMIM 608807.
Dilated cardiomyopathy 1G (CMD1G). Identifiers: Orphanet 154, MedGen C1858763, MONDO:0011400, OMIM 604145.

Allele frequency attached by ClinVar (database versions not stated): TOPMed 0.00006; ESP Exome Variant Server 0.00008; gnomAD 0.00009 and 0.00010; gnomAD exomes 0.00009; ExAC 0.00012.
gnomAD v4.1: 118 of 1,613,160 alleles (0.0073%); highest among the groups gnomAD compares: Non-Finnish European, 0.0094%; no homozygotes.

Submissions (7):

Labcorp Genetics (formerly Invitae), Labcorp
Classification: Likely benign for Dilated cardiomyopathy 1G; Autosomal recessive limb-girdle muscular dystrophy type 2J. Last evaluated: 2026-01-18. Review status: criteria provided, single submitter. Criteria: Invitae Variant Classification Sherloc (09022015). Collection method: clinical testing. Allele origin: germline.

CeGaT Center for Human Genetics Tuebingen
Classification: Likely benign. Last evaluated: 2025-05-01. Review status: criteria provided, single submitter. Criteria: CeGaT Center For Human Genetics Tuebingen Variant Classification Criteria Version 2. Collection method: clinical testing. Allele origin: germline. Affected: yes. Observed: 4 variant alleles.
Comment: TTN: BP4, BP7

Molecular Diagnostic Laboratory for Inherited Cardiovascular Disease, Montreal Heart Institute
Classification: Likely benign. Last evaluated: 2025-04-09. Review status: criteria provided, single submitter. Criteria: ACMG Guidelines, 2015. Collection method: clinical testing. Allele origin: germline. Affected: no.

Revvity Omics, Revvity
Classification: Likely benign. Last evaluated: 2024-12-11. Review status: criteria provided, single submitter. Criteria: ACMG Guidelines, 2015. Collection method: clinical testing. Allele origin: germline.

Blueprint Genetics
Classification: Likely benign. Last evaluated: 2024-11-23. Review status: criteria provided, single submitter. Criteria: ACMG Guidelines, 2015. Collection method: clinical testing. Allele origin: germline.

GeneDx
Classification: Likely benign. Last evaluated: 2019-05-31. Review status: criteria provided, single submitter. Criteria: GeneDx Variant Classification Process June 2021. Collection method: clinical testing. Allele origin: germline. Affected: yes.

PreventionGenetics, part of Exact Sciences
Classification: Likely benign for TTN-related condition. Last evaluated: 2022-09-26. Review status: no assertion criteria provided. Collection method: clinical testing. Allele origin: germline. Not counted in ClinVar's aggregate classification.
Comment: This variant is classified as likely benign based on ACMG/AMP sequence variant interpretation guidelines (Richards et al. 2015 PMID: 25741868, with internal and published modifications).

NM_001267550.2(TTN):c.39606A>G (p.Pro13202=)

Gene: TTN (titin; minus strand). Cytogenetic location: 2q31.2.
Variant type: single nucleotide variant.
Coding change: c.39606A>G on transcript NM_001267550.2 (MANE Select); coding-DNA position 39606, A replaced by G.
Protein change: p.Pro13202=; no amino-acid change (proline 13202 retained).
Molecular consequence: synonymous variant. On other transcripts: intron variant (3).
Genome position (GRCh38, 1-based): chr2:178,651,262, T>C on the plus strand (A>G on the coding strand, the complement: TTN is on the minus strand). VCF-style: chr2-178651262-T-C. GRCh37 (hg19) VCF-style: chr2-179515989-T-C.
Other names: c.35085A>G, p.Pro11695= (NM_001256850.1); c.32304A>G, p.Pro10768= (NM_133378.4); c.13283-8945A>G (NM_003319.4); c.13859-8945A>G (NM_133437.4); c.13658-8945A>G (NM_133432.3).
Identifiers: ClinVar variation 413155 (VCV000413155.49), dbSNP rs372356060, ClinGen allele CA1996655.